The following is an entry in ClinVar:

NM_000218.3(KCNQ1):c.2028_*9del (p.Ter677GlyextTer?)

Genes: KCNQ1 (potassium voltage-gated channel subfamily Q member 1; plus strand), KCNQ1-AS1 (KCNQ1 antisense RNA 1; minus strand). Cytogenetic location: 11p15.4.
Variant type: Deletion.
Coding change: c.2028_*9del on transcript NM_000218.3 (MANE Select); coding-DNA position 2028 through 9 bases downstream of the stop codon, 13 bases deleted (CTGAGGAGGGGAT).
Protein change: p.Ter677GlyextTer?.
Molecular consequence: frameshift variant.
Genome position (GRCh38, 1-based): chr11:2,848,000-2,848,012, CTGAGGAGGGGAT deleted. VCF-style (leftmost placement, unchanged base first): chr11-2847999-CCTGAGGAGGGGAT-C. GRCh37 (hg19) VCF-style: chr11-2869229-CCTGAGGAGGGGAT-C.
Other names: c.1932_*9del, p.Ter645GlyextTer? (NM_001406836.1); c.1758_*9del, p.Ter587GlyextTer? (NM_001406837.1); c.1488_*9del, p.Ter497GlyextTer? (NM_001406838.1); c.540_*9del, p.Ter181GlyextTer? (NM_001406839.1); c.1647_*9del, p.Ter550GlyextTer? (NM_181798.2).
Identifiers: ClinVar variation 3075354 (VCV003075354.1), dbSNP rs2494328092, ClinGen allele CA2825001871.

ClinVar aggregate classification (germline): Uncertain significance (1 of 4 stars; one submission).

Conditions:
Long QT syndrome (LQTS). Identifiers: MedGen C0023976, MeSH D008133, MONDO:0002442. Disease mechanism: loss of function. Inheritance: Various modes of inheritance.

Submission:

All of Us Research Program, National Institutes of Health
Classification: Uncertain significance for Long QT syndrome. Last evaluated: 2024-01-11. Review status: criteria provided, single submitter. Criteria: ACMG Guidelines, 2015. Collection method: clinical testing. Allele origin: germline. Inheritance: Autosomal dominant inheritance. Observed: 1 variant allele, 1 heterozygote.
Comment: This study involves interpretation of variants in research participants for the purpose of population health screening. Participant phenotype was not available at the time of variant classification. Additional details can be found in publication PMID: 35346344, PMCID: PMC8962531